The following is an entry in ClinVar:

ClinVar aggregate classification (germline): Pathogenic (1 of 4 stars; one submission).

Conditions:
Autosomal recessive limb-girdle muscular dystrophy. Identifiers: Orphanet 102015, MedGen C2931907, MONDO:0015152.

Submission:

Myriad Genetics, Inc.
Classification: Pathogenic for Autosomal recessive limb-girdle muscular dystrophy. Last evaluated: 2025-03-27. Review status: criteria provided, single submitter. Criteria: Myriad Autosomal Dominant, Autosomal Recessive and X-Linked Classification Criteria (2023). Collection method: clinical testing. Allele origin: unknown.
Comment: NM_003494.3(DYSF):c.2325G>A(W775*) is expected to be pathogenic in the context of dysferlinopathy. This variant is predicted to lead to an abnormal or absent protein product due to the creation of a premature termination codon in DYSF, a gene where loss-of-function variants are known to be pathogenic. Please note: this variant was assessed in the context of healthy population screening.

NM_001130987.2(DYSF):c.2379G>A (p.Trp793Ter)

Gene: DYSF (dysferlin; plus strand). Cytogenetic location: 2p13.2.
Variant type: single nucleotide variant.
Coding change: c.2379G>A on transcript NM_001130987.2 (MANE Select); coding-DNA position 2379, G replaced by A.
Protein change: p.Trp793Ter; replaces tryptophan 793 with a stop codon.
Molecular consequence: nonsense.
Genome position (GRCh38, 1-based): chr2:71,561,914, G>A. VCF-style: chr2-71561914-G-A. GRCh37 (hg19) VCF-style: chr2-71789044-G-A.
Other names: c.2328G>A, p.Trp776Ter (NM_001130455.2, NM_001130983.2); c.2283G>A, p.Trp761Ter (NM_001130976.2, NM_001130977.2); c.2325G>A, p.Trp775Ter (NM_001130978.2, NM_003494.4); c.2418G>A, p.Trp806Ter (NM_001130979.2); c.2376G>A, p.Trp792Ter (NM_001130980.2, NM_001130981.2); c.2421G>A, p.Trp807Ter (NM_001130982.2); c.2286G>A, p.Trp762Ter (NM_001130984.2, NM_001130986.2); c.2379G>A, p.Trp793Ter (NM_001130985.2); short protein forms W761*, W762*, W775*, W776*, W792*, W793*, W806*, W807*.
Identifiers: ClinVar variation 5014270 (VCV005014270.1).